The following is an entry in ClinVar:

ClinVar aggregate classification (germline): Conflicting classifications of pathogenicity. Review status: criteria provided, conflicting classifications (1 of 4 stars). 2 submissions from 2 submitters: Uncertain significance (1); Likely benign (1). Last evaluated 2025-11-13.

gnomAD v4.1: 81 of 1,597,896 alleles (0.0051%); highest among the groups gnomAD compares: Admixed American, 0.14%; 1 homozygote.

Submissions (2):

Ambry Genetics
Classification: Uncertain significance. Last evaluated: 2025-11-13. Review status: criteria provided, single submitter. Criteria: Ambry Variant Classification Scheme 2023. Collection method: clinical testing. Allele origin: germline.

CeGaT Center for Human Genetics Tuebingen
Classification: Likely benign. Last evaluated: 2025-10-01. Review status: criteria provided, single submitter. Criteria: CeGaT Center For Human Genetics Tuebingen Variant Classification Criteria Version 2. Collection method: clinical testing. Allele origin: germline. Affected: yes. Observed: 1 variant allele.
Comment: DOCK4: BS1

NM_001363540.2(DOCK4):c.4427G>C (p.Ser1476Thr)

Gene: DOCK4 (dedicator of cytokinesis 4; minus strand). Cytogenetic location: 7q31.1.
Variant type: single nucleotide variant.
Coding change: c.4427G>C on transcript NM_001363540.2 (MANE Select); coding-DNA position 4427, G replaced by C.
Protein change: p.Ser1476Thr; replaces serine 1476 with threonine.
Molecular consequence: missense variant.
Genome position (GRCh38, 1-based): chr7:111,747,433, C>G on the plus strand (G>C on the coding strand, the complement: DOCK4 is on the minus strand). VCF-style: chr7-111747433-C-G. GRCh37 (hg19) VCF-style: chr7-111387489-C-G.
Other names: c.4400G>C, p.Ser1467Thr (NM_014705.4); c.4400G>C (NM_014705.3); short protein forms S1467T, S1476T.
Identifiers: ClinVar variation 4534832 (VCV004534832.6).